The following is an entry in ClinVar:

NM_001267550.2(TTN):c.102005G>A (p.Gly34002Glu)

Genes: TTN (titin; minus strand), TTN-AS1 (TTN antisense RNA 1; plus strand). Cytogenetic location: 2q31.2.
Variant type: single nucleotide variant.
Coding change: c.102005G>A on transcript NM_001267550.2 (MANE Select); coding-DNA position 102005, G replaced by A.
Protein change: p.Gly34002Glu; replaces glycine 34002 with glutamic acid.
Molecular consequence: missense variant.
Genome position (GRCh38, 1-based): chr2:178,534,610, C>T on the plus strand (G>A on the coding strand, the complement: TTN is on the minus strand). VCF-style: chr2-178534610-C-T. GRCh37 (hg19) VCF-style: chr2-179399337-C-T.
Other names: c.97082G>A, p.Gly32361Glu (NM_001256850.1); c.74810G>A, p.Gly24937Glu (NM_003319.4); c.94301G>A, p.Gly31434Glu (NM_133378.4); c.75185G>A, p.Gly25062Glu (NM_133432.3); c.75386G>A, p.Gly25129Glu (NM_133437.4); short protein forms G25129E, G32361E, G25062E, G24937E, G31434E, G34002E.
Identifiers: ClinVar variation 2115263 (VCV002115263.4), dbSNP rs2468542207, ClinGen allele CA349418576.

ClinVar aggregate classification (germline): Uncertain significance (1 of 4 stars; one submission).

Conditions:
Dilated cardiomyopathy 1G (CMD1G). Identifiers: Orphanet 154, MedGen C1858763, MONDO:0011400, OMIM 604145.
Autosomal recessive limb-girdle muscular dystrophy type 2J (LGMDR10). Also called: Limb-girdle muscular dystrophy, type 2J; MUSCULAR DYSTROPHY, LIMB-GIRDLE, AUTOSOMAL RECESSIVE 10. Identifiers: Orphanet 140922, MedGen C1837342, MONDO:0012127, OMIM 608807.

Submission:

Labcorp Genetics (formerly Invitae), Labcorp
Classification: Uncertain significance for Dilated cardiomyopathy 1G; Autosomal recessive limb-girdle muscular dystrophy type 2J. Last evaluated: 2022-04-29. Review status: criteria provided, single submitter. Criteria: Invitae Variant Classification Sherloc (09022015). Collection method: clinical testing. Allele origin: germline.
Comment: In summary, the available evidence is currently insufficient to determine the role of this variant in disease. Therefore, it has been classified as a Variant of Uncertain Significance. This variant is located in the M band of TTN (PMID: 25589632). Variants in this region may be relevant for neuromuscular disorders, but have not been definitively shown to cause cardiomyopathy (PMID: 23975875). Experimental studies and prediction algorithms are not available or were not evaluated, and the functional significance of this variant is currently unknown. This variant has not been reported in the literature in individuals affected with TTN-related conditions. This variant is not present in population databases (gnomAD no frequency). This sequence change replaces glycine, which is neutral and non-polar, with glutamic acid, which is acidic and polar, at codon 34002 of the TTN protein (p.Gly34002Glu).

Literature cited by the submitters: PubMed 25589632; PubMed 23975875.